The following is an entry in ClinVar:

NM_000548.5(TSC2):c.325G>A (p.Val109Met)

Gene: TSC2 (TSC complex subunit 2; plus strand). Cytogenetic location: 16p13.3.
Variant type: single nucleotide variant.
Coding change: c.325G>A on transcript NM_000548.5 (MANE Select); coding-DNA position 325, G replaced by A.
Protein change: p.Val109Met; replaces valine 109 with methionine.
Molecular consequence: missense variant. On other transcripts: intron variant (2).
Genome position (GRCh38, 1-based): chr16:2,053,441, G>A. VCF-style: chr16-2053441-G-A. GRCh37 (hg19) VCF-style: chr16-2103442-G-A.
Other names: p.V109M:GTG>ATG; c.325G>A, p.Val109Met (NM_001077183.3, NM_001114382.3, NM_001363528.2 and 3 more transcripts); c.178G>A, p.Val60Met (NM_001318829.2); c.358G>A, p.Val120Met (NM_001318832.2); c.226-855G>A (NM_001318827.2); c.-1-2755G>A (NM_001318831.2); short protein forms V109M, V120M, V60M.
Identifiers: ClinVar variation 207698 (VCV000207698.22), dbSNP rs369932305, ClinGen allele CA045030.

ClinVar aggregate classification (germline): Conflicting classifications of pathogenicity. Review status: criteria provided, conflicting classifications (1 of 4 stars). 6 submissions from 6 submitters: Uncertain significance (2); Likely benign (4). Last evaluated 2026-03-09.

Conditions:
Hereditary cancer-predisposing syndrome. Also called: Tumor predisposition; Hereditary neoplastic syndrome; Neoplastic Syndromes, Hereditary; Hereditary Cancer Syndrome. Identifiers: Orphanet 140162, MedGen C0027672, MeSH D009386, MONDO:0015356.
Tuberous sclerosis syndrome (TSC). Also called: Tuberous sclerosis; Tuberous Sclerosis Complex. Identifiers: Orphanet 805, MedGen C0041341, MONDO:0001734.
Tuberous sclerosis 2 (TSC2). Identifiers: Orphanet 805, MedGen C1860707, MONDO:0013199, OMIM 613254.

Allele frequency attached by ClinVar (database versions not stated): gnomAD 0.00003; gnomAD exomes 0.00001; TOPMed 0.00003; ExAC 0.00004; ESP Exome Variant Server 0.00008.
gnomAD v4.1: 16 of 1,575,008 alleles (0.001%); highest among the groups gnomAD compares: South Asian, 0.0035%; no homozygotes.

Submissions (6):

Ambry Genetics
Classification: Likely benign for Hereditary cancer-predisposing syndrome. Last evaluated: 2026-03-09. Review status: criteria provided, single submitter. Criteria: Ambry Variant Classification Scheme 2023. Collection method: clinical testing. Allele origin: germline.

Labcorp Genetics (formerly Invitae), Labcorp
Classification: Likely benign for Tuberous sclerosis 2. Last evaluated: 2025-09-16. Review status: criteria provided, single submitter. Criteria: Invitae Variant Classification Sherloc (09022015). Collection method: clinical testing. Allele origin: germline.

All of Us Research Program, National Institutes of Health
Classification: Uncertain significance for Tuberous sclerosis syndrome. Last evaluated: 2023-12-18. Review status: criteria provided, single submitter. Criteria: ACMG Guidelines, 2015. Collection method: clinical testing. Allele origin: germline. Inheritance: Autosomal dominant inheritance. Observed: 3 variant alleles, 3 heterozygotes.
Comment: This missense variant replaces valine with methionine at codon 109 of the TSC2 protein. Computational prediction is inconclusive regarding the impact of this variant on protein structure and function (internally defined REVEL score threshold 0.5 < inconclusive < 0.7, PMID: 27666373). To our knowledge, functional studies have not been reported for this variant. This variant has not been reported in individuals affected with tuberous sclerosis complex in the literature. This variant has not been identified in the general population by the Genome Aggregation Database (gnomAD). The available evidence is insufficient to determine the role of this variant in disease conclusively. Therefore, this variant is classified as a Variant of Uncertain Significance.

This study involves interpretation of variants in research participants for the purpose of population health screening. Participant phenotype was not available at the time of variant classification. Additional details can be found in publication PMID: 35346344, PMCID: PMC8962531

Genome-Nilou Lab
Classification: Likely benign for Tuberous sclerosis 2. Last evaluated: 2021-11-07. Review status: criteria provided, single submitter. Criteria: ACMG Guidelines, 2015. Collection method: clinical testing. Allele origin: germline. Affected: no.

Baylor Genetics
Classification: Uncertain significance for Tuberous sclerosis 2. Last evaluated: 2020-12-22. Review status: criteria provided, single submitter. Criteria: ACMG Guidelines, 2015. Collection method: clinical testing. Allele origin: unknown. Affected: yes. Study: CSER-TexasKidsCanSeq.
Comment: This variant was determined to be of uncertain significance according to ACMG Guidelines, 2015 [PMID:25741868].

GeneDx
Classification: Likely benign. Last evaluated: 2014-02-11. Review status: criteria provided, single submitter. Criteria: GeneDx Variant Classification (06012015). Collection method: clinical testing. Allele origin: germline. Affected: yes.
Comment: This variant is considered likely benign or benign based on one or more of the following criteria: it is a conservative change, it occurs at a poorly conserved position in the protein, it is predicted to be benign by multiple in silico algorithms, and/or has population frequency not consistent with disease.